The following is an entry in ClinVar:

NM_004247.4(EFTUD2):c.188A>G (p.Lys63Arg)

Gene: EFTUD2 (elongation factor Tu GTP binding domain containing 2; minus strand). Cytogenetic location: 17q21.31.
Variant type: single nucleotide variant.
Coding change: c.188A>G on transcript NM_004247.4 (MANE Select); coding-DNA position 188, A replaced by G.
Protein change: p.Lys63Arg; replaces lysine 63 with arginine.
Molecular consequence: missense variant.
Genome position (GRCh38, 1-based): chr17:44,886,668, T>C on the plus strand (A>G on the coding strand, the complement: EFTUD2 is on the minus strand). VCF-style: chr17-44886668-T-C. GRCh37 (hg19) VCF-style: chr17-42964036-T-C.
Other names: c.83A>G, p.Lys28Arg (NM_001142605.2); c.188A>G, p.Lys63Arg (NM_001258353.2, NM_001258354.2); short protein forms K28R, K63R.
Identifiers: ClinVar variation 1717627 (VCV001717627.5), dbSNP rs2508844511, ClinGen allele CA399826501.
Genomic context (GRCh38, chr17:44,886,668, plus strand): 5'-TCTTGAACTATGGTCTCCACCTCAGGACCATACACCTCCTCGGCTGTTGGGTAGTACTTC[T>C]TGTCCTCATGCAGCACCACCTCCATCCCAGGGTGGTCATCGTCATGATCTCCTACGTCAT-3'
Protein context (NP_004238.3, residues 53-73): PGMEVVLHED[Lys63Arg]KYYPTAEEVY

ClinVar aggregate classification (germline): Uncertain significance (1 of 4 stars; one submission).

Submission:

Labcorp Genetics (formerly Invitae), Labcorp
Classification: Uncertain significance. Last evaluated: 2024-10-22. Review status: criteria provided, single submitter. Criteria: Invitae Variant Classification Sherloc (09022015). Collection method: clinical testing. Allele origin: germline.
Comment: This sequence change replaces lysine, which is basic and polar, with arginine, which is basic and polar, at codon 63 of the EFTUD2 protein (p.Lys63Arg). This variant is not present in population databases (gnomAD no frequency). This variant has not been reported in the literature in individuals affected with EFTUD2-related conditions. ClinVar contains an entry for this variant (Variation ID: 1717627). An algorithm developed to predict the effect of missense changes on protein structure and function (PolyPhen-2) suggests that this variant is likely to be disruptive. In summary, the available evidence is currently insufficient to determine the role of this variant in disease. Therefore, it has been classified as a Variant of Uncertain Significance.